The following is an entry in ClinVar:

ClinVar aggregate classification (germline): Uncertain significance. Review status: criteria provided, multiple submitters, no conflicts (2 of 4 stars). 3 submissions from 3 submitters: Uncertain significance (3). Last evaluated 2025-09-11.

Conditions:
Inborn genetic diseases. Identifiers: MedGen C0950123, MeSH D030342.
Spastic paraplegia. Identifiers: MedGen C0037772, HP:0001258.

Allele frequency attached by ClinVar (database versions not stated): ExAC 0.00002; gnomAD 0.00002; TOPMed 0.00005; ESP Exome Variant Server 0.00008.
gnomAD v4.1: 28 of 1,614,054 alleles (0.0017%); highest among the groups gnomAD compares: Admixed American, 0.0033%; no homozygotes.

Submissions (3):

Ambry Genetics
Classification: Uncertain significance for Inborn genetic diseases. Last evaluated: 2025-09-11. Review status: criteria provided, single submitter. Criteria: Ambry Variant Classification Scheme 2023. Collection method: clinical testing. Allele origin: germline.

Labcorp Genetics (formerly Invitae), Labcorp
Classification: Uncertain significance for Spastic paraplegia. Last evaluated: 2021-08-26. Review status: criteria provided, single submitter. Criteria: Invitae Variant Classification Sherloc (09022015). Collection method: clinical testing. Allele origin: germline.
Comment: This sequence change replaces arginine with histidine at codon 725 of the ZFYVE26 protein (p.Arg725His). The arginine residue is highly conserved and there is a small physicochemical difference between arginine and histidine. This variant is present in population databases (rs374310868, ExAC 0.01%). This variant has not been reported in the literature in individuals affected with ZFYVE26-related conditions. ClinVar contains an entry for this variant (Variation ID: 640955). Algorithms developed to predict the effect of missense changes on protein structure and function are either unavailable or do not agree on the potential impact of this missense change (SIFT: "Deleterious"; PolyPhen-2: "Probably Damaging"; Align-GVGD: "Class C0"). In summary, the available evidence is currently insufficient to determine the role of this variant in disease. Therefore, it has been classified as a Variant of Uncertain Significance.

Mayo Clinic Laboratories, Mayo Clinic
Classification: Uncertain significance. Last evaluated: 2019-06-03. Review status: criteria provided, single submitter. Criteria: ACMG Guidelines, 2015. Collection method: clinical testing. Allele origin: germline. Observed: 1 variant allele.

NM_015346.4(ZFYVE26):c.2174G>A (p.Arg725His)

Gene: ZFYVE26 (zinc finger FYVE-type containing 26; minus strand). Cytogenetic location: 14q24.1.
Variant type: single nucleotide variant.
Coding change: c.2174G>A on transcript NM_015346.4 (MANE Select); coding-DNA position 2174, G replaced by A.
Protein change: p.Arg725His; replaces arginine 725 with histidine.
Molecular consequence: missense variant.
Genome position (GRCh38, 1-based): chr14:67,798,088, C>T on the plus strand (G>A on the coding strand, the complement: ZFYVE26 is on the minus strand). VCF-style: chr14-67798088-C-T. GRCh37 (hg19) VCF-style: chr14-68264805-C-T.
Other names: short protein forms R725H.
Identifiers: ClinVar variation 640955 (VCV000640955.8), dbSNP rs374310868, ClinGen allele CA7240387.